The following is an entry in ClinVar:

ClinVar aggregate classification (germline): Conflicting classifications of pathogenicity. Review status: criteria provided, conflicting classifications (1 of 4 stars). 2 submissions from 2 submitters: Uncertain significance (1); Likely benign (1). Last evaluated 2025-07-09.

Conditions:
Cardiovascular phenotype. Identifiers: MedGen CN230736.
Arrhythmogenic right ventricular dysplasia 11. Also called: Arrhythmogenic right ventricular dysplasia 11 with mild palmoplantar keratoderma and woolly hair; Arrhythmogenic Right Ventricular Dysplasia/Cardiomyopathy11; ARRHYTHMOGENIC RIGHT VENTRICULAR DYSPLASIA, FAMILIAL, 11. Identifiers: MedGen C1864850, MONDO:0012506, OMIM 610476.

Allele frequency attached by ClinVar (database versions not stated): gnomAD exomes below 0.00001.

Submissions (2):

Ambry Genetics
Classification: Likely benign for Cardiovascular phenotype. Last evaluated: 2025-07-09. Review status: criteria provided, single submitter. Criteria: Ambry Variant Classification Scheme 2023. Collection method: clinical testing. Allele origin: germline.

Labcorp Genetics (formerly Invitae), Labcorp
Classification: Uncertain significance for Arrhythmogenic right ventricular dysplasia 11. Last evaluated: 2022-10-04. Review status: criteria provided, single submitter. Criteria: Invitae Variant Classification Sherloc (09022015). Collection method: clinical testing. Allele origin: germline.
Comment: Advanced modeling of protein sequence and biophysical properties (such as structural, functional, and spatial information, amino acid conservation, physicochemical variation, residue mobility, and thermodynamic stability) performed at Invitae indicates that this missense variant is not expected to disrupt DSC2 protein function. This variant has not been reported in the literature in individuals affected with DSC2-related conditions. This variant is not present in population databases (gnomAD no frequency). This sequence change replaces phenylalanine, which is neutral and non-polar, with leucine, which is neutral and non-polar, at codon 110 of the DSC2 protein (p.Phe110Leu). In summary, the available evidence is currently insufficient to determine the role of this variant in disease. Therefore, it has been classified as a Variant of Uncertain Significance.

NM_024422.6(DSC2):c.328T>C (p.Phe110Leu)

Gene: DSC2 (desmocollin 2; minus strand). Cytogenetic location: 18q12.1.
Variant type: single nucleotide variant.
Coding change: c.328T>C on transcript NM_024422.6 (MANE Select); coding-DNA position 328, T replaced by C.
Protein change: p.Phe110Leu; replaces phenylalanine 110 with leucine.
Molecular consequence: missense variant.
Genome position (GRCh38, 1-based): chr18:31,092,127, A>G on the plus strand (T>C on the coding strand, the complement: DSC2 is on the minus strand). VCF-style: chr18-31092127-A-G. GRCh37 (hg19) VCF-style: chr18-28672090-A-G.
Other names: c.-102T>C (NM_001406506.1, NM_001406507.1); c.328T>C, p.Phe110Leu (NM_004949.5); c.328T>C (NM_024422.3); short protein forms F110L.
Identifiers: ClinVar variation 2139178 (VCV002139178.5), dbSNP rs1987620757, ClinGen allele CA402114615.